The following is an entry in ClinVar:

ClinVar aggregate classification (germline): Uncertain significance (1 of 4 stars; one submission).

Allele frequency attached by ClinVar (database versions not stated): gnomAD exomes below 0.00001.

Submission:

Labcorp Genetics (formerly Invitae), Labcorp
Classification: Uncertain significance. Last evaluated: 2022-06-13. Review status: criteria provided, single submitter. Criteria: Invitae Variant Classification Sherloc (09022015). Collection method: clinical testing. Allele origin: germline.
Comment: This variant has not been reported in the literature in individuals affected with CSF1R-related conditions. This variant is not present in population databases (gnomAD no frequency). This sequence change replaces phenylalanine, which is neutral and non-polar, with isoleucine, which is neutral and non-polar, at codon 577 of the CSF1R protein (p.Phe577Ile). In summary, the available evidence is currently insufficient to determine the role of this variant in disease. Therefore, it has been classified as a Variant of Uncertain Significance. Advanced modeling of protein sequence and biophysical properties (such as structural, functional, and spatial information, amino acid conservation, physicochemical variation, residue mobility, and thermodynamic stability) performed at Invitae indicates that this missense variant is expected to disrupt CSF1R protein function.

NM_001288705.3(CSF1R):c.1729T>A (p.Phe577Ile)

Gene: CSF1R (colony stimulating factor 1 receptor; minus strand). Cytogenetic location: 5q32.
Variant type: single nucleotide variant.
Coding change: c.1729T>A on transcript NM_001288705.3 (MANE Select); coding-DNA position 1729, T replaced by A.
Protein change: p.Phe577Ile; replaces phenylalanine 577 with isoleucine.
Molecular consequence: missense variant. On other transcripts: non-coding transcript variant (2).
Genome position (GRCh38, 1-based): chr5:150,061,747, A>T on the plus strand (T>A on the coding strand, the complement: CSF1R is on the minus strand). VCF-style: chr5-150061747-A-T. GRCh37 (hg19) VCF-style: chr5-149441310-A-T.
Other names: c.1729T>A, p.Phe577Ile (NM_001349736.2, NM_001375320.1, NM_005211.4); c.1285T>A, p.Phe429Ile (NM_001375321.1); short protein forms F429I, F577I.
Identifiers: ClinVar variation 1419854 (VCV001419854.8), dbSNP rs1757539157, ClinGen allele CA361714272.